The following is an entry in ClinVar:

ClinVar aggregate classification (germline): Benign. Review status: criteria provided, multiple submitters, no conflicts (2 of 4 stars). 2 submissions from 2 submitters: Benign (2). Last evaluated 2018-06-14.

Allele frequency attached by ClinVar (database versions not stated): gnomAD exomes 0.36488; gnomAD 0.37340 and 0.37993; ESP Exome Variant Server 0.37692; TOPMed 0.38790; 1000 Genomes Project 30x 0.45237; 1000 Genomes Project 0.45387.
gnomAD v4.1: 554,590 of 1,513,314 alleles (37%); highest among the groups gnomAD compares: East Asian, 70%; 105,491 homozygotes.

Submissions (2):

GeneDx
Classification: Benign. Last evaluated: 2018-06-14. Review status: criteria provided, single submitter. Criteria: GeneDx Variant Classification (06012015). Collection method: clinical testing. Allele origin: germline. Affected: yes.
Comment: This variant is considered likely benign or benign based on one or more of the following criteria: it is a conservative change, it occurs at a poorly conserved position in the protein, it is predicted to be benign by multiple in silico algorithms, and/or has population frequency not consistent with disease.

Breakthrough Genomics
Classification: Benign. Review status: criteria provided, single submitter. Criteria: ACMG Guidelines, 2015. Collection method: not provided. Allele origin: germline. Inheritance: Autosomal dominant inheritance. Affected: yes.

NM_000093.5(COL5A1):c.2286+66A>G

Gene: COL5A1 (collagen type V alpha 1 chain; plus strand). Cytogenetic location: 9q34.3.
Variant type: single nucleotide variant.
Coding change: c.2286+66A>G on transcript NM_000093.5 (MANE Select); 66 bases into the intron after coding-DNA position 2286, A replaced by G.
Molecular consequence: intron variant.
Genome position (GRCh38, 1-based): chr9:134,768,529, A>G. VCF-style: chr9-134768529-A-G. GRCh37 (hg19) VCF-style: chr9-137660375-A-G.
Other names: c.2286+66A>G (NM_001278074.1).
Identifiers: ClinVar variation 670979 (VCV000670979.2), dbSNP rs10776900, ClinGen allele CA13060266.